The following is an entry in ClinVar:

NM_005732.4(RAD50):c.45T>G (p.Phe15Leu)

Gene: RAD50 (RAD50 double strand break repair protein; plus strand). Cytogenetic location: 5q31.1.
Variant type: single nucleotide variant.
Coding change: c.45T>G on transcript NM_005732.4 (MANE Select); coding-DNA position 45, T replaced by G.
Protein change: p.Phe15Leu; replaces phenylalanine 15 with leucine.
Molecular consequence: missense variant.
Genome position (GRCh38, 1-based): chr5:132,557,369, T>G. VCF-style: chr5-132557369-T-G. GRCh37 (hg19) VCF-style: chr5-131893061-T-G.
Other names: short protein forms F15L.
Identifiers: ClinVar variation 565468 (VCV000565468.11), dbSNP rs771506747, ClinGen allele CA3404878.

ClinVar aggregate classification (germline): Uncertain significance. Review status: criteria provided, multiple submitters, no conflicts (2 of 4 stars). 2 submissions from 2 submitters: Uncertain significance (2). Last evaluated 2023-12-08.

Conditions:
Hereditary cancer-predisposing syndrome. Also called: Hereditary neoplastic syndrome; Neoplastic Syndromes, Hereditary; Tumor predisposition; Hereditary Cancer Syndrome. Identifiers: Orphanet 140162, MedGen C0027672, MeSH D009386, MONDO:0015356.

gnomAD v4.1: 1 of 1,614,150 alleles (0.000062%); highest among the groups gnomAD compares: Non-Finnish European, 0.000085%; no homozygotes.

Submissions (2):

Ambry Genetics
Classification: Uncertain significance for Hereditary cancer-predisposing syndrome. Last evaluated: 2023-12-08. Review status: criteria provided, single submitter. Criteria: Ambry Variant Classification Scheme 2023. Collection method: clinical testing. Allele origin: germline.
Comment: The p.F15L variant (also known as c.45T>G), located in coding exon 1 of the RAD50 gene, results from a T to G substitution at nucleotide position 45. The phenylalanine at codon 15 is replaced by leucine, an amino acid with highly similar properties. This amino acid position is conserved. In addition, the in silico prediction for this alteration is inconclusive. Since supporting evidence is limited at this time, the clinical significance of this alteration remains unclear.

Labcorp Genetics (formerly Invitae), Labcorp
Classification: Uncertain significance for Hereditary cancer-predisposing syndrome. Last evaluated: 2023-10-05. Review status: criteria provided, single submitter. Criteria: Invitae Variant Classification Sherloc (09022015). Collection method: clinical testing. Allele origin: germline.
Comment: This sequence change replaces phenylalanine, which is neutral and non-polar, with leucine, which is neutral and non-polar, at codon 15 of the RAD50 protein (p.Phe15Leu). This variant is present in population databases (rs771506747, gnomAD 0.0009%). This variant has not been reported in the literature in individuals affected with RAD50-related conditions. ClinVar contains an entry for this variant (Variation ID: 565468). Advanced modeling of protein sequence and biophysical properties (such as structural, functional, and spatial information, amino acid conservation, physicochemical variation, residue mobility, and thermodynamic stability) performed at Invitae indicates that this missense variant is expected to disrupt RAD50 protein function. In summary, the available evidence is currently insufficient to determine the role of this variant in disease. Therefore, it has been classified as a Variant of Uncertain Significance.